The following is an entry in ClinVar:

Single allele

Genes: AIFM3 (AIF family member 3; plus strand), ARVCF (ARVCF delta catenin family member; minus strand), C22orf39 (chromosome 22 open reading frame 39; minus strand), CCDC188 (coiled-coil domain containing 188; minus strand), CDC45 (cell division cycle 45; plus strand) and 190 more. Cytogenetic location: 22q11.21.
Variant type: Deletion.
Identifiers: ClinVar variation 2498202 (VCV002498202.1).

ClinVar aggregate classification (germline): Pathogenic (1 of 4 stars; one submission).

Conditions:
22q11.2 deletion syndrome. Identifiers: Orphanet 567, MedGen CN294181, MONDO:0018923.

Submission:

New York Genome Center
Classification: Pathogenic for 22q11 deletion syndrome (Velocardiofacial / DiGeorge syndrome). Last evaluated: 2021-10-01. Review status: criteria provided, single submitter. Criteria: NYGC Assertion Criteria 2020. Collection method: clinical testing. Allele origin: germline. Affected: yes. Observed: 1 variant allele. Study: CSER-NYCKidSeq.
Comment: The ~3Mb proximal 22q11.21 recurrent (DGS/VCFS) region (proximal, A-D) deletion identified here contains 44 OMIM associated genes, and 14 of those are diseases associated (includes TBX1). ClinGen Haploinsufficiency score is 3 for this region meaning sufficient evidence for dosage pathogenicity. Based on the available evidence the 22q11.2 proximal (A-D) deletion identified here is classified as pathogenic.